The following is an entry in ClinVar:

ClinVar aggregate classification (germline): Uncertain significance. Review status: criteria provided, multiple submitters, no conflicts (2 of 4 stars). 2 submissions from 2 submitters: Uncertain significance (2). Last evaluated 2025-03-08.

Conditions:
Hereditary cancer-predisposing syndrome. Also called: Neoplastic Syndromes, Hereditary; Tumor predisposition; Hereditary neoplastic syndrome; Hereditary Cancer Syndrome. Identifiers: Orphanet 140162, MedGen C0027672, MeSH D009386, MONDO:0015356.
Haddad syndrome (OHD). Also called: Ondine-Hirschsprung disease. Identifiers: Orphanet 99803, MedGen C1859049, MONDO:0020493.

Allele frequency attached by ClinVar (database versions not stated): gnomAD exomes below 0.00001 and 0.00001; ExAC 0.00001; TOPMed 0.00001.
gnomAD v4.1: 1 of 1,453,728 alleles (0.000069%); highest among the groups gnomAD compares: African/African-American, 0.0014%; no homozygotes.

Submissions (2):

Ambry Genetics
Classification: Uncertain significance for Hereditary cancer-predisposing syndrome. Last evaluated: 2025-03-08. Review status: criteria provided, single submitter. Criteria: Ambry Variant Classification Scheme 2023. Collection method: clinical testing. Allele origin: germline.
Comment: The p.A266V variant (also known as c.797C>T), located in coding exon 3 of the PHOX2B gene, results from a C to T substitution at nucleotide position 797. The alanine at codon 266 is replaced by valine, an amino acid with similar properties. This amino acid position is conserved. In addition, the in silico prediction for this alteration is inconclusive. Since supporting evidence is limited at this time, the clinical significance of this alteration remains unclear.

Labcorp Genetics (formerly Invitae), Labcorp
Classification: Uncertain significance for Haddad syndrome. Last evaluated: 2021-01-26. Review status: criteria provided, single submitter. Criteria: Invitae Variant Classification Sherloc (09022015). Collection method: clinical testing. Allele origin: germline.
Comment: In summary, the available evidence is currently insufficient to determine the role of this variant in disease. Therefore, it has been classified as a Variant of Uncertain Significance. Experimental studies and prediction algorithms are not available or were not evaluated, and the functional significance of this variant is currently unknown. This variant has not been reported in the literature in individuals with PHOX2B-related conditions. This variant is present in population databases (rs745709595, ExAC 0.02%). This sequence change replaces alanine with valine at codon 266 of the PHOX2B protein (p.Ala266Val). The alanine residue is moderately conserved and there is a small physicochemical difference between alanine and valine.

NM_003924.4(PHOX2B):c.797C>T (p.Ala266Val)

Gene: PHOX2B (paired like homeobox 2B; minus strand). Cytogenetic location: 4p13.
Variant type: single nucleotide variant.
Coding change: c.797C>T on transcript NM_003924.4 (MANE Select); coding-DNA position 797, C replaced by T.
Protein change: p.Ala266Val; replaces alanine 266 with valine.
Molecular consequence: missense variant.
Genome position (GRCh38, 1-based): chr4:41,745,955, G>A on the plus strand (C>T on the coding strand, the complement: PHOX2B is on the minus strand). VCF-style: chr4-41745955-G-A. GRCh37 (hg19) VCF-style: chr4-41747972-G-A.
Other names: short protein forms A266V.
Identifiers: ClinVar variation 581301 (VCV000581301.14), dbSNP rs745709595, ClinGen allele CA2901417.